The following is an entry in ClinVar:

NM_032122.5(DTNBP1):c.791C>T (p.Thr264Ile)

Gene: DTNBP1 (dystrobrevin binding protein 1; minus strand). Cytogenetic location: 6p22.3.
Variant type: single nucleotide variant.
Coding change: c.791C>T on transcript NM_032122.5 (MANE Select); coding-DNA position 791, C replaced by T.
Protein change: p.Thr264Ile; replaces threonine 264 with isoleucine.
Molecular consequence: missense variant. On other transcripts: non-coding transcript variant (1).
Genome position (GRCh38, 1-based): chr6:15,524,546, G>A on the plus strand (C>T on the coding strand, the complement: DTNBP1 is on the minus strand). VCF-style: chr6-15524546-G-A. GRCh37 (hg19) VCF-style: chr6-15524777-G-A.
Other names: c.548C>T, p.Thr183Ile (NM_001271667.2); c.740C>T, p.Thr247Ile (NM_001271668.2); c.686C>T, p.Thr229Ile (NM_001271669.2); c.791C>T, p.Thr264Ile (NM_183040.2); short protein forms T183I, T229I, T247I, T264I.
Identifiers: ClinVar variation 4076690 (VCV004076690.1).

ClinVar aggregate classification (germline): Uncertain significance (1 of 4 stars; one submission).

gnomAD v4.1: 1 of 1,609,798 alleles (0.000062%); highest among the groups gnomAD compares: Non-Finnish European, 0.000085%; no homozygotes.

Submission:

GeneDx
Classification: Uncertain significance. Last evaluated: 2025-02-20. Review status: criteria provided, single submitter. Criteria: GeneDx Variant Classification Process June 2021. Collection method: clinical testing. Allele origin: germline. Affected: yes.
Comment: Not observed at significant frequency in large population cohorts (gnomAD); In silico analysis indicates that this missense variant does not alter protein structure/function; Has not been previously published as pathogenic or benign to our knowledge